The following is an entry in ClinVar:

ClinVar aggregate classification (germline): Conflicting classifications of pathogenicity. Review status: criteria provided, conflicting classifications (1 of 4 stars). 3 submissions from 3 submitters: Uncertain significance (2); Likely benign (1). Last evaluated 2026-05-01.

Conditions:
Inborn genetic diseases. Identifiers: MedGen C0950123, MeSH D030342.

Allele frequency attached by ClinVar (database versions not stated): ExAC 0.00003; gnomAD exomes 0.00004 and 0.00010; gnomAD 0.00005 and 0.00006; TOPMed 0.00008; ESP Exome Variant Server 0.00023.
gnomAD v4.1: 166 of 1,614,106 alleles (0.01%); highest among the groups gnomAD compares: Non-Finnish European, 0.012%; no homozygotes.

Submissions (3):

CeGaT Center for Human Genetics Tuebingen
Classification: Uncertain significance. Last evaluated: 2026-05-01. Review status: criteria provided, single submitter. Criteria: CeGaT Center For Human Genetics Tuebingen Variant Classification Criteria Version 2. Collection method: clinical testing. Allele origin: germline. Affected: yes. Observed: 4 variant alleles.

Labcorp Genetics (formerly Invitae), Labcorp
Classification: Uncertain significance. Last evaluated: 2025-10-26. Review status: criteria provided, single submitter. Criteria: Invitae Variant Classification Sherloc (09022015). Collection method: clinical testing. Allele origin: germline.
Comment: This sequence change replaces threonine, which is neutral and polar, with alanine, which is neutral and non-polar, at codon 140 of the RORB protein (p.Thr140Ala). This variant is present in population databases (rs151121778, gnomAD 0.01%). This variant has not been reported in the literature in individuals affected with RORB-related conditions. ClinVar contains an entry for this variant (Variation ID: 1474548). An algorithm developed to predict the effect of missense changes on protein structure and function outputs the following: PolyPhen-2: "Benign". The alanine amino acid residue is found in multiple mammalian species, which suggests that this missense change does not adversely affect protein function. In summary, the available evidence is currently insufficient to determine the role of this variant in disease. Therefore, it has been classified as a Variant of Uncertain Significance.

Ambry Genetics
Classification: Likely benign for Inborn genetic diseases. Last evaluated: 2022-10-26. Review status: criteria provided, single submitter. Criteria: Ambry Variant Classification Scheme 2023. Collection method: clinical testing. Allele origin: germline.

NM_006914.4(RORB):c.418A>G (p.Thr140Ala)

Gene: RORB (RAR related orphan receptor B; plus strand). Cytogenetic location: 9q21.13.
Variant type: single nucleotide variant.
Coding change: c.418A>G on transcript NM_006914.4 (MANE Select); coding-DNA position 418, A replaced by G.
Protein change: p.Thr140Ala; replaces threonine 140 with alanine.
Molecular consequence: missense variant.
Genome position (GRCh38, 1-based): chr9:74,642,596, A>G. VCF-style: chr9-74642596-A-G. GRCh37 (hg19) VCF-style: chr9-77257512-A-G.
Other names: c.451A>G, p.Thr151Ala (NM_001365023.1); c.418A>G (NM_006914.3); short protein forms T140A, T151A.
Identifiers: ClinVar variation 1474548 (VCV001474548.31), dbSNP rs151121778, ClinGen allele CA5083365.